The following is an entry in ClinVar:

NM_000094.4(COL7A1):c.353G>C (p.Arg118Pro)

Gene: COL7A1 (collagen type VII alpha 1 chain; minus strand). Cytogenetic location: 3p21.31.
Variant type: single nucleotide variant.
Coding change: c.353G>C on transcript NM_000094.4 (MANE Select); coding-DNA position 353, G replaced by C.
Protein change: p.Arg118Pro; replaces arginine 118 with proline.
Molecular consequence: missense variant.
Genome position (GRCh38, 1-based): chr3:48,593,610, C>G on the plus strand (G>C on the coding strand, the complement: COL7A1 is on the minus strand). VCF-style: chr3-48593610-C-G. GRCh37 (hg19) VCF-style: chr3-48631043-C-G.
Other names: short protein forms R118P.
Identifiers: ClinVar variation 2180739 (VCV002180739.3), dbSNP rs966257558, ClinGen allele CA73994040.

ClinVar aggregate classification (germline): Uncertain significance (1 of 4 stars; one submission).

gnomAD v4.1: 5 of 1,614,170 alleles (0.00031%); highest among the groups gnomAD compares: Non-Finnish European, 0.00042%; no homozygotes.

Submission:

Labcorp Genetics (formerly Invitae), Labcorp
Classification: Uncertain significance. Last evaluated: 2024-07-08. Review status: criteria provided, single submitter. Criteria: Invitae Variant Classification Sherloc (09022015). Collection method: clinical testing. Allele origin: germline.
Comment: This sequence change replaces arginine, which is basic and polar, with proline, which is neutral and non-polar, at codon 118 of the COL7A1 protein (p.Arg118Pro). This variant is present in population databases (no rsID available, gnomAD 0.0009%). This variant has not been reported in the literature in individuals affected with COL7A1-related conditions. ClinVar contains an entry for this variant (Variation ID: 2180739). Advanced modeling of protein sequence and biophysical properties (such as structural, functional, and spatial information, amino acid conservation, physicochemical variation, residue mobility, and thermodynamic stability) has been performed at Invitae for this missense variant, however the output from this modeling did not meet the statistical confidence thresholds required to predict the impact of this variant on COL7A1 protein function. In summary, the available evidence is currently insufficient to determine the role of this variant in disease. Therefore, it has been classified as a Variant of Uncertain Significance.